The following is an entry in ClinVar:

ClinVar aggregate classification (germline): Pathogenic (1 of 4 stars; one submission).

gnomAD v4.1: 1 of 1,614,100 alleles (0.000062%); highest among the groups gnomAD compares: East Asian, 0.0022%; no homozygotes.

Submission:

Labcorp Genetics (formerly Invitae), Labcorp
Classification: Pathogenic. Last evaluated: 2023-03-23. Review status: criteria provided, single submitter. Criteria: Invitae Variant Classification Sherloc (09022015). Collection method: clinical testing. Allele origin: germline.
Comment: This sequence change replaces cysteine, which is neutral and slightly polar, with arginine, which is basic and polar, at codon 749 of the USH2A protein (p.Cys749Arg). This variant is not present in population databases (gnomAD no frequency). This missense change has been observed in individuals with clinical features of USH2A-related conditions (Invitae). ClinVar contains an entry for this variant (Variation ID: 2107928). Advanced modeling of protein sequence and biophysical properties (such as structural, functional, and spatial information, amino acid conservation, physicochemical variation, residue mobility, and thermodynamic stability) performed at Invitae indicates that this missense variant is expected to disrupt USH2A protein function. For these reasons, this variant has been classified as Pathogenic.

NM_206933.4(USH2A):c.2245T>C (p.Cys749Arg)

Gene: USH2A (usherin; minus strand). Cytogenetic location: 1q41.
Variant type: single nucleotide variant.
Coding change: c.2245T>C on transcript NM_206933.4 (MANE Select); coding-DNA position 2245, T replaced by C.
Protein change: p.Cys749Arg; replaces cysteine 749 with arginine.
Molecular consequence: missense variant.
Genome position (GRCh38, 1-based): chr1:216,247,149, A>G on the plus strand (T>C on the coding strand, the complement: USH2A is on the minus strand). VCF-style: chr1-216247149-A-G. GRCh37 (hg19) VCF-style: chr1-216420491-A-G.
Other names: c.2245T>C, p.Cys749Arg (NM_007123.6); short protein forms C749R.
Identifiers: ClinVar variation 2107928 (VCV002107928.4), dbSNP rs1352316880, ClinGen allele CA344865440.